The following is an entry in ClinVar:

NM_018344.6(SLC29A3):c.59C>G (p.Thr20Arg)

Gene: SLC29A3 (solute carrier family 29 member 3; plus strand). Cytogenetic location: 10q22.1.
Variant type: single nucleotide variant.
Coding change: c.59C>G on transcript NM_018344.6 (MANE Select); coding-DNA position 59, C replaced by G.
Protein change: p.Thr20Arg; replaces threonine 20 with arginine.
Molecular consequence: missense variant. On other transcripts: 5 prime UTR variant (1), non-coding transcript variant (2).
Genome position (GRCh38, 1-based): chr10:71,322,813, C>G. VCF-style: chr10-71322813-C-G. GRCh37 (hg19) VCF-style: chr10-73082570-C-G.
Other names: c.59C>G, p.Thr20Arg (NM_001174098.2); c.-176C>G (NM_001363518.2); short protein forms T20R.
Identifiers: ClinVar variation 937842 (VCV000937842.6), dbSNP rs754138983, ClinGen allele CA5542807.
Genomic context (GRCh38, chr10:71,322,813, plus strand): 5'-TAGTGGCCGTTGTCTCAGAGGACGACTTTCAGCACAGTTCAAACTCCACCTACAGAACCA[C>G]AAGCAGCAGTCTCCGAGCTGACCAGGAGGCACTGCTTGAGAAGCTGCTGGACCGCCCGCC-3'
Protein context (NP_060814.4, residues 10-30): QHSSNSTYRT[Thr20Arg]SSSLRADQEA

ClinVar aggregate classification (germline): Uncertain significance (1 of 4 stars; one submission).

Conditions:
H syndrome. Also called: HISTIOCYTOSIS AND LYMPHADENOPATHY WITH OR WITHOUT CUTANEOUS, CARDIAC, AND/OR ENDOCRINE FEATURES, JOINT CONTRACTURES, AND/OR DEAFNESS; HYPERPIGMENTATION, CUTANEOUS, WITH HYPERTRICHOSIS, HEPATOSPLENOMEGALY, HEART ANOMALIES, AND HYPOGONADISM WITH OR WITHOUT HEARING LOSS; PIGMENTED HYPERTRICHOSIS WITH INSULIN-DEPENDENT DIABETES MELLITUS; ROSAI-DORFMAN DISEASE, FAMILIAL; SINUS HISTIOCYTOSIS AND MASSIVE LYMPHADENOPATHY; Hyperpigmentation, Cutaneous, with Hypertrichosis, Hepatosplenomegaly, Heart Anomalies, Hearing Loss, and Hypogonadism. Identifiers: Orphanet 168569, MedGen C1864445, MONDO:0011273, OMIM 602782.

Allele frequency attached by ClinVar (database versions not stated): gnomAD 0.00001; TOPMed 0.00001; ExAC 0.00002; gnomAD exomes 0.00002.
gnomAD v4.1: 15 of 1,614,090 alleles (0.00093%); highest among the groups gnomAD compares: South Asian, 0.0077%; no homozygotes.

Submission:

Labcorp Genetics (formerly Invitae), Labcorp
Classification: Uncertain significance for H syndrome. Last evaluated: 2021-08-26. Review status: criteria provided, single submitter. Criteria: Invitae Variant Classification Sherloc (09022015). Collection method: clinical testing. Allele origin: germline.
Comment: This sequence change replaces threonine with arginine at codon 20 of the SLC29A3 protein (p.Thr20Arg). The threonine residue is weakly conserved and there is a moderate physicochemical difference between threonine and arginine. This variant is present in population databases (rs754138983, ExAC 0.02%). This variant has not been reported in the literature in individuals affected with SLC29A3-related conditions. Algorithms developed to predict the effect of missense changes on protein structure and function (SIFT, PolyPhen-2, Align-GVGD) all suggest that this variant is likely to be tolerated. In summary, the available evidence is currently insufficient to determine the role of this variant in disease. Therefore, it has been classified as a Variant of Uncertain Significance.